The following is an entry in ClinVar:

NM_001080.3(ALDH5A1):c.637C>G (p.Arg213Gly)

Gene: ALDH5A1 (aldehyde dehydrogenase 5 family member A1; plus strand). Cytogenetic location: 6p22.3.
Variant type: single nucleotide variant.
Coding change: c.637C>G on transcript NM_001080.3 (MANE Select); coding-DNA position 637, C replaced by G.
Protein change: p.Arg213Gly; replaces arginine 213 with glycine.
Molecular consequence: missense variant.
Genome position (GRCh38, 1-based): chr6:24,504,896, C>G. VCF-style: chr6-24504896-C-G. GRCh37 (hg19) VCF-style: chr6-24505124-C-G.
Other names: c.637C>G, p.Arg213Gly (NM_001368954.1, NM_170740.1); short protein forms R213G.
Identifiers: ClinVar variation 1878460 (VCV001878460.3), dbSNP rs774041089, ClinGen allele CA362970036.

ClinVar aggregate classification (germline): Likely pathogenic (1 of 4 stars; one submission).

Conditions:
Succinate-semialdehyde dehydrogenase deficiency (SSADHD). Also called: Succinic Semialdehyde Dehydrogenase Deficiency; SSADH DEFICIENCY; 4-HYDROXYBUTYRIC ACIDURIA; GABA METABOLIC DEFECT. Identifiers: Orphanet 22, MedGen C0268631, MONDO:0010083, OMIM 271980.

Submission:

Elsea Laboratory, Baylor College of Medicine
Classification: Likely pathogenic for Succinate-semialdehyde dehydrogenase deficiency. Last evaluated: 2021-03-08. Review status: criteria provided, single submitter. Criteria: Martin et al. (J Child Neurol. 2021). Collection method: curation. Allele origin: germline. Affected: yes.
Comment: NAD binding domain

Literature cited by the submitters: PubMed 33203024.